The following is an entry in ClinVar:

ClinVar aggregate classification (germline): Uncertain significance (1 of 4 stars; one submission).

Conditions:
Hereditary cancer-predisposing syndrome. Also called: Tumor predisposition; Neoplastic Syndromes, Hereditary; Hereditary neoplastic syndrome; Hereditary Cancer Syndrome. Identifiers: Orphanet 140162, MedGen C0027672, MeSH D009386, MONDO:0015356.

Submission:

Ambry Genetics
Classification: Uncertain significance for Hereditary cancer-predisposing syndrome. Last evaluated: 2025-08-27. Review status: criteria provided, single submitter. Criteria: Ambry Variant Classification Scheme 2023. Collection method: clinical testing. Allele origin: germline.
Comment: The p.Q379H variant (also known as c.1137G>T), located in coding exon 12 of the MUTYH gene, results from a G to T substitution at nucleotide position 1137. The glutamine at codon 379 is replaced by histidine, an amino acid with highly similar properties. This amino acid position is conserved. In addition, the in silico prediction for this alteration is inconclusive. Based on the available evidence, the clinical significance of this variant remains unclear.

NM_001048174.2(MUTYH):c.1053G>T (p.Gln351His)

Gene: MUTYH (mutY DNA glycosylase; minus strand). Cytogenetic location: 1p34.1.
Variant type: single nucleotide variant.
Coding change: c.1053G>T on transcript NM_001048174.2 (MANE Select); coding-DNA position 1053, G replaced by T.
Protein change: p.Gln351His; replaces glutamine 351 with histidine.
Molecular consequence: missense variant. On other transcripts: non-coding transcript variant (7).
Genome position (GRCh38, 1-based): chr1:45,331,710, C>A on the plus strand (G>T on the coding strand, the complement: MUTYH is on the minus strand). VCF-style: chr1-45331710-C-A. GRCh37 (hg19) VCF-style: chr1-45797382-C-A.
Other names: c.1053G>T, p.Gln351His (NM_001293195.2, NM_001407070.1, NM_001407072.1 and 6 more transcripts); c.777G>T, p.Gln259His (NM_001293196.2, NM_001407091.1, NM_001293192.2); c.708G>T, p.Gln236His (NM_001350650.2, NM_001350651.2, NM_001407082.1); c.1086G>T, p.Gln362His (NM_001407069.1, NM_001293191.2, NM_001407077.1); c.1056G>T, p.Gln352His (NM_001407071.1, NM_001048172.2, NM_001407078.1 and 1 more transcripts); c.1074G>T, p.Gln358His (NM_001407087.1); c.1128G>T, p.Gln376His (NM_012222.3); c.1137G>T, p.Gln379His (NM_001128425.2); and 5 more; short protein forms Q236H, Q338H, Q358H, Q362H, Q365H, Q259H, Q351H, Q352H.
Identifiers: ClinVar variation 4113045 (VCV004113045.1).